The following is an entry in ClinVar:

ClinVar aggregate classification (germline): Likely pathogenic (0 of 4 stars; one submission).

Conditions:
Autosomal recessive nonsyndromic hearing loss 23. Identifiers: Orphanet 90636, MedGen C1836027, MONDO:0012293, OMIM 609533.
Usher syndrome type 1F (USH1F). Also called: USHER SYNDROME, TYPE IF. Identifiers: Orphanet 231169, Orphanet 886, MedGen C1865885, MONDO:0011186, OMIM 602083.

Submission:

Department of Pediatrics, Division of Medical Genetics, Faculty of Medicine Ramathibodi Hospital, Mahidol University
Classification: Likely pathogenic for Autosomal recessive nonsyndromic hearing loss 23; Usher syndrome type 1F. Last evaluated: 2025-03-12. Review status: no assertion criteria provided. Collection method: research. Allele origin: germline. Inheritance: Autosomal recessive inheritance. Affected: yes. Observed: 1 compound heterozygote.
Comment: This sequence change creates a premature translational stop signal (p.Val328Leufs*26) in the PCDH15 gene. It is expected to result in an absent or disrupted protein product. Loss-of-function variants in PCDH15 are known to be pathogenic (PMID: 25307757). This variant is not present in population databases (gnomAD no frequency). For these reasons, this variant has been classified as Likely-pathogenic.

Literature cited by the submitters: PubMed 25307757.

NM_001384140.1(PCDH15):c.981del (p.Val328fs)

Gene: PCDH15 (protocadherin related 15; minus strand). Cytogenetic location: 10q21.1.
Variant type: Deletion.
Coding change: c.981del on transcript NM_001384140.1 (MANE Select); coding-DNA position 981, one base deleted (T; older notation c.981delT).
Protein change: p.Val328fs; shifts the reading frame from valine 328.
Molecular consequence: frameshift variant.
Genome position (GRCh38, 1-based): chr10:54,236,827, A deleted on the plus strand (T on the coding strand, the reverse complement: PCDH15 is on the minus strand); the first of 2 consecutive A bases (chr10:54,236,827-54,236,828); deleting either gives the same sequence. VCF-style (leftmost placement, unchanged base first): chr10-54236826-CA-C. GRCh37 (hg19) VCF-style: chr10-55996586-CA-C.
Other names: c.996del, p.Val333fs (NM_001142763.2, NM_001142771.2); c.981del, p.Val328fs (NM_001142764.2, NM_001142765.2, NM_001142766.2 and 7 more transcripts); c.870del, p.Val291fs (NM_001142767.2); c.915del, p.Val306fs (NM_001142768.2, NM_001142773.2, NM_001354404.2); c.995delT, p.Val333Leufs (NM_001142769.4); short protein forms V291fs, V306fs, V328fs, V333fs.
Identifiers: ClinVar variation 3774367 (VCV003774367.1).